The following is an entry in ClinVar:

ClinVar aggregate classification (germline): Likely pathogenic (1 of 4 stars; one submission).

Conditions:
Cockayne syndrome type 1. Also called: Cockayne syndrome type I; Cockayne syndrome classical; Cockayne syndrome classic form. Identifiers: Orphanet 191, Orphanet 90321, MedGen C0751039, MONDO:0019569, OMIM 216400.

Submission:

Systems Biology Laboratory, Department of Convergent Bioscience and Informatics, Chungnam National University
Classification: Likely pathogenic for Cockayne syndrome type 1. Last evaluated: 2026-10-01. Review status: criteria provided, single submitter. Criteria: ACMG Guidelines, 2015. Collection method: research. Allele origin: unknown. Inheritance: Autosomal recessive inheritance. Affected: yes. Observed: 1 variant allele, 1 compound heterozygote.
Comment: PVS1_Strong (in-frame deletion of exons 5-10 removing 214 amino acids, p.(Thr134_Gln347del), within the WD40-repeat region; no NMD predicted, 4) + PM3 (in trans with the pathogenic exon 4 founder rearrangement, phase confirmed, 2) + PM2_Supporting (absent from gnomAD-SV v4, 1) = 7 points. Breakpoints confirmed by PCR and Sanger sequencing.

NC_000005.10:g.60889521_60908276delinsTTCTATT

Gene: ERCC8 (ERCC excision repair 8, CSA ubiquitin ligase complex subunit; minus strand). Cytogenetic location: 5q12.1.
Variant type: Indel.
Other names: NM_000082.4:c.400-3403_1041+1368delinsAATAGAA; p.(Thr134_Gln347del).
Identifiers: ClinVar variation 5042733 (VCV005042733.1).